The following is an entry in ClinVar:

ClinVar aggregate classification (germline): Uncertain significance. Review status: criteria provided, multiple submitters, no conflicts (2 of 4 stars). 2 submissions from 2 submitters: Uncertain significance (2). Last evaluated 2026-04-01.

Conditions:
Inborn genetic diseases. Identifiers: MedGen C0950123, MeSH D030342.

gnomAD v4.1: 1 of 1,613,490 alleles (0.000062%); highest among the groups gnomAD compares: Non-Finnish European, 0.000085%; no homozygotes.

Submissions (2):

Ambry Genetics
Classification: Uncertain significance for Inborn genetic diseases. Last evaluated: 2026-04-01. Review status: criteria provided, single submitter. Criteria: Ambry Variant Classification Scheme 2023. Collection method: clinical testing. Allele origin: germline.

Labcorp Genetics (formerly Invitae), Labcorp
Classification: Uncertain significance. Last evaluated: 2023-08-02. Review status: criteria provided, single submitter. Criteria: Invitae Variant Classification Sherloc (09022015). Collection method: clinical testing. Allele origin: germline.
Comment: In summary, the available evidence is currently insufficient to determine the role of this variant in disease. Therefore, it has been classified as a Variant of Uncertain Significance. Advanced modeling of protein sequence and biophysical properties (such as structural, functional, and spatial information, amino acid conservation, physicochemical variation, residue mobility, and thermodynamic stability) has been performed at Invitae for this missense variant, however the output from this modeling did not meet the statistical confidence thresholds required to predict the impact of this variant on ALPL protein function. This variant has not been reported in the literature in individuals affected with ALPL-related conditions. This variant is present in population databases (no rsID available, gnomAD 0.0009%). This sequence change replaces glycine, which is neutral and non-polar, with aspartic acid, which is acidic and polar, at codon 11 of the ALPL protein (p.Gly11Asp).

NM_000478.6(ALPL):c.32G>A (p.Gly11Asp)

Gene: ALPL (alkaline phosphatase, biomineralization associated; plus strand). Cytogenetic location: 1p36.12.
Variant type: single nucleotide variant.
Coding change: c.32G>A on transcript NM_000478.6 (MANE Select); coding-DNA position 32, G replaced by A.
Protein change: p.Gly11Asp; replaces glycine 11 with aspartic acid.
Molecular consequence: missense variant. On other transcripts: intron variant (2).
Genome position (GRCh38, 1-based): chr1:21,554,113, G>A. VCF-style: chr1-21554113-G-A. GRCh37 (hg19) VCF-style: chr1-21880606-G-A.
Other names: c.32G>A, p.Gly11Asp (NM_001369803.2, NM_001369804.2, NM_001369805.2); c.-104-6513G>A (NM_001127501.4); c.-54-6513G>A (NM_001177520.3); c.32G>A (NM_000478.4); short protein forms G11D.
Identifiers: ClinVar variation 2977794 (VCV002977794.4), dbSNP rs1287863636, ClinGen allele CA338876382.